The following is an entry in ClinVar:

NM_001127208.3(TET2):c.394A>C (p.Asn132His)

Genes: TET2 (tet methylcytosine dioxygenase 2; plus strand), TET2-AS1 (TET2 antisense RNA 1; minus strand). Cytogenetic location: 4q24.
Variant type: single nucleotide variant.
Coding change: c.394A>C on transcript NM_001127208.3 (MANE Select); coding-DNA position 394, A replaced by C.
Protein change: p.Asn132His; replaces asparagine 132 with histidine.
Molecular consequence: missense variant.
Genome position (GRCh38, 1-based): chr4:105,234,336, A>C. VCF-style: chr4-105234336-A-C. GRCh37 (hg19) VCF-style: chr4-106155493-A-C.
Other names: c.394A>C, p.Asn132His (NM_017628.4); short protein forms N132H.
Identifiers: ClinVar variation 5030697 (VCV005030697.1).

ClinVar aggregate classification (germline): Uncertain significance (1 of 4 stars; one submission).

Submission:

Ambry Genetics
Classification: Uncertain significance. Last evaluated: 2026-07-04. Review status: criteria provided, single submitter. Criteria: Ambry Variant Classification Scheme 2023. Collection method: clinical testing. Allele origin: germline.
Comment: The p.N132H variant (also known as c.394A>C), located in coding exon 1 of the TET2 gene, results from an A to C substitution at nucleotide position 394. The asparagine at codon 132 is replaced by histidine, an amino acid with similar properties. This amino acid position is conserved. In addition, this alteration is predicted to be tolerated by in silico analysis. Based on the available evidence, the clinical significance of this variant remains unclear.